The following is an entry in ClinVar:

NM_005655.4(KLF10):c.868G>A (p.Val290Ile)

Gene: KLF10 (KLF transcription factor 10; minus strand). Cytogenetic location: 8q22.3.
Variant type: single nucleotide variant.
Coding change: c.868G>A on transcript NM_005655.4 (MANE Select); coding-DNA position 868, G replaced by A.
Protein change: p.Val290Ile; replaces valine 290 with isoleucine.
Molecular consequence: missense variant.
Genome position (GRCh38, 1-based): chr8:102,651,464, C>T on the plus strand (G>A on the coding strand, the complement: KLF10 is on the minus strand). VCF-style: chr8-102651464-C-T. GRCh37 (hg19) VCF-style: chr8-103663692-C-T.
Other names: c.835G>A, p.Val279Ile (NM_001032282.4); short protein forms V290I, V279I.
Identifiers: ClinVar variation 2741269 (VCV002741269.3), dbSNP rs201521683, ClinGen allele CA4833527.

ClinVar aggregate classification (germline): Uncertain significance (1 of 4 stars; one submission).

Allele frequency attached by ClinVar (database versions not stated): gnomAD exomes 0.00002; TOPMed 0.00002; ExAC 0.00003; gnomAD 0.00003.
gnomAD v4.1: 28 of 1,613,786 alleles (0.0017%); highest among the groups gnomAD compares: East Asian, 0.0045%; no homozygotes.

Submission:

Labcorp Genetics (formerly Invitae), Labcorp
Classification: Uncertain significance. Last evaluated: 2024-01-17. Review status: criteria provided, single submitter. Criteria: Invitae Variant Classification Sherloc (09022015). Collection method: clinical testing. Allele origin: germline.
Comment: This sequence change replaces valine, which is neutral and non-polar, with isoleucine, which is neutral and non-polar, at codon 290 of the KLF10 protein (p.Val290Ile). This variant is present in population databases (rs201521683, gnomAD 0.01%). This variant has not been reported in the literature in individuals affected with KLF10-related conditions. An algorithm developed to predict the effect of missense changes on protein structure and function (PolyPhen-2) suggests that this variant is likely to be tolerated. In summary, the available evidence is currently insufficient to determine the role of this variant in disease. Therefore, it has been classified as a Variant of Uncertain Significance.